The following is an entry in ClinVar:

NM_020843.4(SCAPER):c.3476G>A (p.Ser1159Asn)

Gene: SCAPER (S-phase cyclin A associated protein in the ER; minus strand). Cytogenetic location: 15q24.3.
Variant type: single nucleotide variant.
Coding change: c.3476G>A on transcript NM_020843.4 (MANE Select); coding-DNA position 3476, G replaced by A.
Protein change: p.Ser1159Asn; replaces serine 1159 with asparagine.
Molecular consequence: missense variant. On other transcripts: non-coding transcript variant (1).
Genome position (GRCh38, 1-based): chr15:76,381,607, C>T on the plus strand (G>A on the coding strand, the complement: SCAPER is on the minus strand). VCF-style: chr15-76381607-C-T. GRCh37 (hg19) VCF-style: chr15-76673948-C-T.
Other names: c.2738G>A, p.Ser913Asn (NM_001145923.2); c.3494G>A, p.Ser1165Asn (NM_001353009.2); c.3074G>A, p.Ser1025Asn (NM_001353010.2, NM_001353012.2); c.3092G>A, p.Ser1031Asn (NM_001353011.2); short protein forms S1025N, S1031N, S1159N, S1165N, S913N.
Identifiers: ClinVar variation 3346878 (VCV003346878.2).

ClinVar aggregate classification (germline): Uncertain significance (1 of 4 stars; one submission).

Conditions:
SCAPER-related disorder. Also called: SCAPER-related condition.

Submission:

PreventionGenetics, part of Exact Sciences
Classification: Uncertain significance for SCAPER-related condition. Last evaluated: 2025-06-02. Review status: criteria provided, single submitter. Criteria: ACMG Guidelines, 2015. Collection method: clinical testing. Allele origin: germline.
Comment: The SCAPER c.3494G>A variant is predicted to result in the amino acid substitution p.Ser1165Asn. To our knowledge, this variant has not been reported in the literature or in a large population database, indicating this variant is rare. At this time, the clinical significance of this variant is uncertain due to the absence of conclusive functional and genetic evidence.